The following is an entry in ClinVar:

NM_001098.3(ACO2):c.2006C>G (p.Ser669Trp)

Genes: ACO2 (aconitase 2; plus strand), POLR3H (RNA polymerase III subunit H; minus strand). Cytogenetic location: 22q13.2.
Variant type: single nucleotide variant.
Coding change: c.2006C>G on transcript NM_001098.3 (MANE Select); coding-DNA position 2006, C replaced by G.
Protein change: p.Ser669Trp; replaces serine 669 with tryptophan.
Molecular consequence: missense variant. On other transcripts: 3 prime UTR variant (5).
Genome position (GRCh38, 1-based): chr22:41,527,340, C>G. VCF-style: chr22-41527340-C-G. GRCh37 (hg19) VCF-style: chr22-41923344-C-G.
Other names: c.*1943G>C (NM_138338.5, NM_001018050.4, NM_001018052.4 and 2 more transcripts); short protein forms S669W.
Identifiers: ClinVar variation 3014479 (VCV003014479.3), dbSNP rs764832926, ClinGen allele CA10257856.

ClinVar aggregate classification (germline): Uncertain significance (1 of 4 stars; one submission).

Submission:

Labcorp Genetics (formerly Invitae), Labcorp
Classification: Uncertain significance. Last evaluated: 2023-09-08. Review status: criteria provided, single submitter. Criteria: Invitae Variant Classification Sherloc (09022015). Collection method: clinical testing. Allele origin: germline.
Comment: In summary, the available evidence is currently insufficient to determine the role of this variant in disease. Therefore, it has been classified as a Variant of Uncertain Significance. Advanced modeling of protein sequence and biophysical properties (such as structural, functional, and spatial information, amino acid conservation, physicochemical variation, residue mobility, and thermodynamic stability) performed at Invitae indicates that this missense variant is expected to disrupt ACO2 protein function. This variant has not been reported in the literature in individuals affected with ACO2-related conditions. This variant is present in population databases (rs764832926, gnomAD 0.0009%). This sequence change replaces serine, which is neutral and polar, with tryptophan, which is neutral and slightly polar, at codon 669 of the ACO2 protein (p.Ser669Trp).